The following is an entry in ClinVar:

ClinVar aggregate classification (germline): Uncertain significance (1 of 4 stars; one submission).

Submission:

Labcorp Genetics (formerly Invitae), Labcorp
Classification: Uncertain significance. Last evaluated: 2024-07-25. Review status: criteria provided, single submitter. Criteria: Invitae Variant Classification Sherloc (09022015). Collection method: clinical testing. Allele origin: germline.
Comment: This sequence change affects an acceptor splice site in intron 4 of the ERMARD gene. It is expected to disrupt RNA splicing. Variants that disrupt the donor or acceptor splice site typically lead to a loss of protein function (PMID: 16199547), however the current clinical and genetic evidence is not sufficient to establish whether loss-of-function variants in ERMARD cause disease. This variant is present in population databases (no rsID available, gnomAD 0.0009%). This variant has not been reported in the literature in individuals affected with ERMARD-related conditions. Algorithms developed to predict the effect of sequence changes on RNA splicing suggest that this variant may disrupt the consensus splice site. In summary, the available evidence is currently insufficient to determine the role of this variant in disease. Therefore, it has been classified as a Variant of Uncertain Significance.

Literature cited by the submitters: PubMed 16199547.

NM_018341.3(ERMARD):c.418-1G>A

Gene: ERMARD (ER membrane associated RNA degradation; plus strand). Cytogenetic location: 6q27.
Variant type: single nucleotide variant.
Coding change: c.418-1G>A on transcript NM_018341.3 (MANE Select); the canonical splice acceptor site of the intron before coding-DNA position 418, G replaced by A.
Molecular consequence: splice acceptor variant.
Genome position (GRCh38, 1-based): chr6:169,756,718, G>A. VCF-style: chr6-169756718-G-A. GRCh37 (hg19) VCF-style: chr6-170156814-G-A.
Other names: c.418-1G>A (NM_001278531.2, NM_001278533.2); c.40-1G>A (NM_001278532.2, NM_001410957.1).
Identifiers: ClinVar variation 3691164 (VCV003691164.2).
Genomic context (GRCh38, chr6:169,756,718, plus strand): 5'-ATGTTTTTAATGTTTATTGGCTCATAATACAACTGTTACACAATTTTTGTTTGAATTTTA[G>A]GTATTTTTACTGATTGGGAAGGAATGCCCCTTTCTTTTAAGAGATCTGCTTTCATCTGAG-3'